The following is an entry in ClinVar:

ClinVar aggregate classification (germline): Uncertain significance (1 of 4 stars; one submission).

Submission:

GeneDx
Classification: Uncertain significance. Last evaluated: 2023-10-19. Review status: criteria provided, single submitter. Criteria: GeneDx Variant Classification Process June 2021. Collection method: clinical testing. Allele origin: germline.
Comment: Not observed at significant frequency in large population cohorts (gnomAD); In silico analysis supports that this missense variant has a deleterious effect on protein structure/function; Has not been previously published as pathogenic or benign to our knowledge

NM_015021.3(ZNF292):c.1673G>A (p.Arg558Gln)

Gene: ZNF292 (zinc finger protein 292; plus strand). Cytogenetic location: 6q14.3.
Variant type: single nucleotide variant.
Coding change: c.1673G>A on transcript NM_015021.3 (MANE Select); coding-DNA position 1673, G replaced by A.
Protein change: p.Arg558Gln; replaces arginine 558 with glutamine.
Molecular consequence: missense variant.
Genome position (GRCh38, 1-based): chr6:87,255,302, G>A. VCF-style: chr6-87255302-G-A. GRCh37 (hg19) VCF-style: chr6-87965020-G-A.
Other names: c.1253G>A, p.Arg418Gln (NM_001351444.2); short protein forms R418Q, R558Q.
Identifiers: ClinVar variation 2504982 (VCV002504982.2), dbSNP rs2482290215, ClinGen allele CA364909967.